The following is an entry in ClinVar:

ClinVar aggregate classification (germline): Benign. Review status: criteria provided, multiple submitters, no conflicts (2 of 4 stars). 2 submissions from 2 submitters: Benign (2). Last evaluated 2018-06-19.

Allele frequency attached by ClinVar (database versions not stated): gnomAD 0.04459 and 0.04757; TOPMed 0.04920; 1000 Genomes Project 0.05631; 1000 Genomes Project 30x 0.05700.
gnomAD v4.1: 6,695 of 151,710 alleles (4.4%); highest among the groups gnomAD compares: African/African-American, 15%; 462 homozygotes.

Submissions (2):

GeneDx
Classification: Benign. Last evaluated: 2018-06-19. Review status: criteria provided, single submitter. Criteria: GeneDx Variant Classification (06012015). Collection method: clinical testing. Allele origin: germline. Affected: yes.
Comment: This variant is considered likely benign or benign based on one or more of the following criteria: it is a conservative change, it occurs at a poorly conserved position in the protein, it is predicted to be benign by multiple in silico algorithms, and/or has population frequency not consistent with disease.

Breakthrough Genomics
Classification: Benign. Review status: criteria provided, single submitter. Criteria: ACMG Guidelines, 2015. Collection method: not provided. Allele origin: germline. Inheritance: Autosomal dominant inheritance. Affected: yes.

NM_001127222.2(CACNA1A):c.1199-194A>G

Gene: CACNA1A (calcium voltage-gated channel subunit alpha1 A; minus strand). Cytogenetic location: 19p13.13.
Variant type: single nucleotide variant.
Coding change: c.1199-194A>G on transcript NM_001127222.2 (MANE Select); 194 bases into the intron before coding-DNA position 1199, A replaced by G.
Molecular consequence: intron variant.
Genome position (GRCh38, 1-based): chr19:13,333,119, T>C on the plus strand (A>G on the coding strand, the complement: CACNA1A is on the minus strand). VCF-style: chr19-13333119-T-C. GRCh37 (hg19) VCF-style: chr19-13443933-T-C.
Other names: c.1199-194A>G (NM_001127221.2, NM_001174080.2, NM_000068.4 and 1 more transcripts).
Identifiers: ClinVar variation 677307 (VCV000677307.2), dbSNP rs10421055, ClinGen allele CA14730427.
Genomic context (GRCh38, chr19:13,333,119, plus strand): 5'-TGCTGCTGGGTGGTTTGTGACTTCAAGCCCCACCTCCGCAACAGTAGCAATAGCCAACAT[T>C]CTCCCCACCTCGCGCAAAATAAAAACCAATGTCCACACCACAGCCTATAAGCCCCTGCTT-3'